The following is an entry in ClinVar:

NM_000440.3(PDE6A):c.586A>G (p.Asn196Asp)

Gene: PDE6A (phosphodiesterase 6A; minus strand). Cytogenetic location: 5q32.
Variant type: single nucleotide variant.
Coding change: c.586A>G on transcript NM_000440.3 (MANE Select); coding-DNA position 586, A replaced by G.
Protein change: p.Asn196Asp; replaces asparagine 196 with aspartic acid.
Molecular consequence: missense variant.
Genome position (GRCh38, 1-based): chr5:149,934,607, T>C on the plus strand (A>G on the coding strand, the complement: PDE6A is on the minus strand). VCF-style: chr5-149934607-T-C. GRCh37 (hg19) VCF-style: chr5-149314170-T-C.
Other names: short protein forms N196D.
Identifiers: ClinVar variation 1941358 (VCV001941358.5), dbSNP rs75606297, ClinGen allele CA129055012.

ClinVar aggregate classification (germline): Uncertain significance (1 of 4 stars; one submission).

Allele frequency attached by ClinVar (database versions not stated): gnomAD exomes below 0.00001.
gnomAD v4.1: 2 of 1,614,200 alleles (0.00012%); highest among the groups gnomAD compares: Admixed American, 0.0033%; no homozygotes.

Submission:

Labcorp Genetics (formerly Invitae), Labcorp
Classification: Uncertain significance. Last evaluated: 2022-03-23. Review status: criteria provided, single submitter. Criteria: Invitae Variant Classification Sherloc (09022015). Collection method: clinical testing. Allele origin: germline.
Comment: In summary, the available evidence is currently insufficient to determine the role of this variant in disease. Therefore, it has been classified as a Variant of Uncertain Significance. Algorithms developed to predict the effect of missense changes on protein structure and function are either unavailable or do not agree on the potential impact of this missense change (SIFT: "Deleterious"; PolyPhen-2: "Probably Damaging"; Align-GVGD: "Class C0"). This variant has not been reported in the literature in individuals affected with PDE6A-related conditions. This variant is present in population databases (rs75606297, gnomAD 0.003%). This sequence change replaces asparagine, which is neutral and polar, with aspartic acid, which is acidic and polar, at codon 196 of the PDE6A protein (p.Asn196Asp).